The following is an entry in ClinVar:

NM_007118.4(TRIO):c.7853T>A (p.Ile2618Asn)

Gene: TRIO (trio Rho guanine nucleotide exchange factor; plus strand). Cytogenetic location: 5p15.2.
Variant type: single nucleotide variant.
Coding change: c.7853T>A on transcript NM_007118.4 (MANE Select); coding-DNA position 7853, T replaced by A.
Protein change: p.Ile2618Asn; replaces isoleucine 2618 with asparagine.
Molecular consequence: missense variant. On other transcripts: non-coding transcript variant (1).
Genome position (GRCh38, 1-based): chr5:14,492,787, T>A. VCF-style: chr5-14492787-T-A. GRCh37 (hg19) VCF-style: chr5-14492896-T-A.
Other names: short protein forms I2618N.
Identifiers: ClinVar variation 1335576 (VCV001335576.38), dbSNP rs750714090, ClinGen allele CA3207624.

ClinVar aggregate classification (germline): Uncertain significance. Review status: criteria provided, multiple submitters, no conflicts (2 of 4 stars). 3 submissions from 3 submitters: Uncertain significance (3). Last evaluated 2025-11-12.

Conditions:
Inborn genetic diseases. Identifiers: MedGen C0950123, MeSH D030342.

Allele frequency attached by ClinVar (database versions not stated): gnomAD exomes below 0.00001 and 0.00001; ExAC 0.00001; gnomAD 0.00001; TOPMed 0.00001.
gnomAD v4.1: 10 of 1,613,852 alleles (0.00062%); highest among the groups gnomAD compares: Non-Finnish European, 0.00076%; no homozygotes.

Submissions (3):

Ambry Genetics
Classification: Uncertain significance for Inborn genetic diseases. Last evaluated: 2025-11-12. Review status: criteria provided, single submitter. Criteria: Ambry Variant Classification Scheme 2023. Collection method: clinical testing. Allele origin: germline.

GeneDx
Classification: Uncertain significance. Last evaluated: 2022-06-22. Review status: criteria provided, single submitter. Criteria: GeneDx Variant Classification Process June 2021. Collection method: clinical testing. Allele origin: germline. Affected: yes.
Comment: In silico analysis supports that this missense variant has a deleterious effect on protein structure/function; Has not been previously published as pathogenic or benign to our knowledge

CeGaT Center for Human Genetics Tuebingen
Classification: Uncertain significance. Last evaluated: 2021-12-01. Review status: criteria provided, single submitter. Criteria: CeGaT Center For Human Genetics Tuebingen Variant Classification Criteria Version 2. Collection method: clinical testing. Allele origin: germline. Affected: yes. Observed: 1 variant allele.